The following is an entry in ClinVar:

NM_177438.3(DICER1):c.5427_5428delinsTT (p.Asp1810Tyr)

Gene: DICER1 (dicer 1, ribonuclease III; minus strand). Cytogenetic location: 14q32.13.
Variant type: Indel.
Coding change: c.5427_5428delinsTT on transcript NM_177438.3 (MANE Select); coding-DNA positions 5427 to 5428, GG replaced by TT.
Protein change: p.Asp1810Tyr; replaces aspartic acid 1810 with tyrosine.
Molecular consequence: missense variant. On other transcripts: intron variant (1).
Genome position (GRCh38, 1-based): chr14:95,091,302-95,091,303, CC replaced by AA on the plus strand (GG replaced by TT on the coding strand, the reverse complement: DICER1 is on the minus strand). VCF-style: chr14-95091302-CC-AA. GRCh37 (hg19) VCF-style: chr14-95557639-CC-AA.
Other names: c.5427_5428delinsTT, p.Asp1810Tyr (NM_030621.4, NM_001271282.3, NM_001291628.2); c.5365-194_5365-193delinsTT (NM_001195573.1); short protein forms D1810Y.
Identifiers: ClinVar variation 933081 (VCV000933081.3), dbSNP rs1889809530, ClinGen allele CA1139663686.

ClinVar aggregate classification (germline): Pathogenic (1 of 4 stars; one submission).

Conditions:
DICER1-related tumor predisposition. Also called: DICER1-related pleuropulmonary blastoma cancer predisposition syndrome; DICER1 syndrome. Identifiers: Orphanet 284343, MedGen C3839822, MONDO:0100216.

Submission:

Foulkes Cancer Genetics LDI, Lady Davis Institute for Medical Research
Classification: Pathogenic for Pleuropulmonary blastoma. Last evaluated: 2019-07-01. Review status: criteria provided, single submitter. Criteria: ACMG Guidelines, 2015. Collection method: curation. Allele origin: somatic. Affected: yes. Observed: 1 variant allele.
Comment: ACMG criteria met: PS3, PM1, PM2, PM7, PP3, PP4, BP1

Literature cited by the submitters: PubMed 29351919; PubMed 30260442.